The following is an entry in ClinVar:

NM_001267550.2(TTN):c.93674T>C (p.Ile31225Thr)

Genes: TTN (titin; minus strand), TTN-AS1 (TTN antisense RNA 1; plus strand). Cytogenetic location: 2q31.2.
Variant type: single nucleotide variant.
Coding change: c.93674T>C on transcript NM_001267550.2 (MANE Select); coding-DNA position 93674, T replaced by C.
Protein change: p.Ile31225Thr; replaces isoleucine 31225 with threonine.
Molecular consequence: missense variant.
Genome position (GRCh38, 1-based): chr2:178,547,952, A>G on the plus strand (T>C on the coding strand, the complement: TTN is on the minus strand). VCF-style: chr2-178547952-A-G. GRCh37 (hg19) VCF-style: chr2-179412679-A-G.
Other names: p.I29584T:ATA>ACA; p.Ile29584Thr; c.66479T>C, p.Ile22160Thr (NM_003319.4); c.66854T>C, p.Ile22285Thr (NM_133432.3); c.67055T>C, p.Ile22352Thr (NM_133437.4); c.88751T>C, p.Ile29584Thr (NM_001256850.1); c.85970T>C, p.Ile28657Thr (NM_133378.4); short protein forms I28657T, I31225T, I22352T, I29584T, I22285T, I22160T.
Identifiers: ClinVar variation 179857 (VCV000179857.11), dbSNP rs727505175, ClinGen allele CA185282.

ClinVar aggregate classification (germline): Uncertain significance. Review status: criteria provided, multiple submitters, no conflicts (2 of 4 stars). 5 submissions from 5 submitters: Uncertain significance (5). Last evaluated 2025-09-08.

Conditions:
Dilated cardiomyopathy 1G (CMD1G). Identifiers: Orphanet 154, MedGen C1858763, MONDO:0011400, OMIM 604145.
Autosomal recessive limb-girdle muscular dystrophy type 2J (LGMDR10). Also called: Limb-girdle muscular dystrophy, type 2J; MUSCULAR DYSTROPHY, LIMB-GIRDLE, AUTOSOMAL RECESSIVE 10. Identifiers: Orphanet 140922, MedGen C1837342, MONDO:0012127, OMIM 608807.

Allele frequency attached by ClinVar (database versions not stated): gnomAD exomes 0.00001 and 0.00006; TOPMed 0.00003; gnomAD 0.00003; ExAC 0.00001.
gnomAD v4.1: 86 of 1,613,640 alleles (0.0053%); highest among the groups gnomAD compares: Non-Finnish European, 0.0069%; no homozygotes.

Submissions (5):

Women's Health and Genetics/Laboratory Corporation of America, LabCorp
Classification: Uncertain significance. Last evaluated: 2025-09-08. Review status: criteria provided, single submitter. Criteria: LabCorp Variant Classification Summary - May 2015. Collection method: clinical testing. Allele origin: germline.
Comment: Variant summary: TTN c.85970T>C (p.Ile28657Thr) results in a non-conservative amino acid change in the encoded protein sequence. Algorithms developed to predict the effect of missense changes on protein structure and function are either unavailable or do not agree on the potential impact of this missense change. The variant allele was found at a frequency of 1.2e-05 in 248706 control chromosomes. The available data on variant occurrences in the general population are insufficient to allow any conclusion about variant significance. c.85970T>C has been observed in one case of sudden unexplained death (Narula_2015). This report does not provide unequivocal conclusions about association of the variant with Dilated Cardiomyopathy. To our knowledge, no experimental evidence demonstrating an impact on protein function has been reported. The following publication has been ascertained in the context of this evaluation (PMID: 25500949). ClinVar contains an entry for this variant (Variation ID: 179857). Based on the evidence outlined above, the variant was classified as uncertain significance.

Mayo Clinic Laboratories, Mayo Clinic
Classification: Uncertain significance. Last evaluated: 2022-07-12. Review status: criteria provided, single submitter. Criteria: ACMG Guidelines, 2015. Collection method: clinical testing. Allele origin: germline. Observed: 2 variant alleles.

Labcorp Genetics (formerly Invitae), Labcorp
Classification: Uncertain significance for Dilated cardiomyopathy 1G; Autosomal recessive limb-girdle muscular dystrophy type 2J. Last evaluated: 2020-04-21. Review status: criteria provided, single submitter. Criteria: Invitae Variant Classification Sherloc (09022015). Collection method: clinical testing. Allele origin: germline.
Comment: This sequence change replaces isoleucine with threonine at codon 31225 of the TTN protein (p.Ile31225Thr). The isoleucine residue is highly conserved and there is a moderate physicochemical difference between isoleucine and threonine. This variant is present in population databases (rs727505175, ExAC 0.002%). This variant has been reported in an individual with sudden death and possible coronary artery disease on autopsy (PMID: 25500949). This variant is also known as c.66479T>C (p.Ile22160Thr) in the literature, ClinVar contains an entry for this variant (Variation ID: 179857). This variant is located in the A band of TTN (PMID: 25589632). Variants in this region may be relevant for cardiac or neuromuscular disorders (PMID: 25589632, 23975875). Algorithms developed to predict the effect of missense changes on protein structure and function are unavailable for the TTN gene. In summary, the available evidence is currently insufficient to determine the role of this variant in disease. Therefore, it has been classified as a Variant of Uncertain Significance.

GeneDx
Classification: Uncertain significance. Last evaluated: 2014-08-29. Review status: criteria provided, single submitter. Criteria: GeneDx Variant Classification (06012015). Collection method: clinical testing. Allele origin: germline. Affected: yes.
Comment: Missense variants in the TTN gene are considered 'unclassified' if they are not previously reported in the literature and do not have >1% frequency in the population to be considered a polymorphism. Research indicates that truncating mutations in the TTN gene are expected to account for approximately 25% of familial and 18% of sporadic idiopathic DCM; however, truncating variants in the TTN gene have been reported in approximately 3% of reported control alleles. There has been little investigation into non-truncating variants. (Herman D et al. Truncations of titin causing dilated cardiomyopathy. N Eng J Med 366:619-628, 2012) The variant is found in CARDIOMYOPATHY panel(s).

Laboratory for Molecular Medicine, Mass General Brigham Personalized Medicine
Classification: Uncertain significance. Last evaluated: 2014-07-09. Review status: criteria provided, single submitter. Criteria: LMM Criteria. Collection method: clinical testing. Allele origin: germline. Observed: 1 variant allele.
Comment: The Ile28657Thr variant in TTN has not been reported in individuals with cardiom yopathy or in large population studies. Computational prediction tools and conse rvation analysis do not provide strong support for or against an impact to the p rotein. In summary, the clinical significance of the Ile28657Thr variant is unc ertain.

Literature cited by the submitters: PubMed 25500949 (cited by 3 submitters); PubMed 25589632 (cited by Labcorp Genetics (formerly Invitae), Labcorp); PubMed 23975875 (cited by Labcorp Genetics (formerly Invitae), Labcorp).